The following is an entry in ClinVar:

ClinVar aggregate classification (germline): Uncertain significance. Review status: criteria provided, multiple submitters, no conflicts (2 of 4 stars). 2 submissions from 2 submitters: Uncertain significance (2). Last evaluated 2025-10-02.

Conditions:
Epidermolysis bullosa simplex 5B, with muscular dystrophy (EBS5B). Also called: EPIDERMOLYSIS BULLOSA SIMPLEX AND LIMB-GIRDLE MUSCULAR DYSTROPHY; Epidermolysis bullosa simplex with muscular dystrophy. Identifiers: Orphanet 257, MedGen C2931072, MONDO:0009181, OMIM 226670.
Epidermolysis bullosa simplex, Ogna type (EBS5A). Also called: Pidermolysis bullosa simplex 5A, Ogna type; EPIDERMOLYSIS BULLOSA SIMPLEX 5A, OGNA TYPE. Identifiers: Orphanet 79401, MedGen C0432317, MONDO:0007555, OMIM 131950.
Autosomal recessive limb-girdle muscular dystrophy type 2Q (LGMDR17). Also called: MUSCULAR DYSTROPHY, LIMB-GIRDLE, AUTOSOMAL RECESSIVE 17. Identifiers: Orphanet 254361, MedGen C3150989, MONDO:0013390, OMIM 613723.
Epidermolysis bullosa simplex 5C, with pyloric atresia (EBS5C). Also called: Epidermolysis bullosa simplex with pyloric atresia; PLEC1-Related Epidermolysis Bullosa with Pyloric Atresia; PLEC-Related Epidermolysis Bullosa with Pyloric Atresia. Identifiers: Orphanet 158684, MedGen C2677349, MONDO:0012807, OMIM 612138.
Epidermolysis bullosa simplex with nail dystrophy (EBS5D). Identifiers: MedGen C4225309, MONDO:0014661, OMIM 616487.

Allele frequency attached by ClinVar (database versions not stated): TOPMed 0.00002; gnomAD exomes 0.00004; ExAC 0.00005; gnomAD 0.00005 and 0.00006.
gnomAD v4.1: 57 of 1,595,182 alleles (0.0036%); highest among the groups gnomAD compares: Non-Finnish European, 0.0044%; no homozygotes.

Submissions (2):

Labcorp Genetics (formerly Invitae), Labcorp
Classification: Uncertain significance for Autosomal recessive limb-girdle muscular dystrophy type 2Q; Epidermolysis bullosa simplex, Ogna type; Epidermolysis bullosa simplex with nail dystrophy; Epidermolysis bullosa simplex 5C, with pyloric atresia; Epidermolysis bullosa simplex 5B, with muscular dystrophy. Last evaluated: 2025-10-02. Review status: criteria provided, single submitter. Criteria: Invitae Variant Classification Sherloc (09022015). Collection method: clinical testing. Allele origin: germline.
Comment: This sequence change replaces arginine, which is basic and polar, with histidine, which is basic and polar, at codon 1495 of the PLEC protein (p.Arg1495His). This variant is present in population databases (rs782181237, gnomAD 0.01%). This variant has not been reported in the literature in individuals affected with PLEC-related conditions. ClinVar contains an entry for this variant (Variation ID: 501185). Experimental studies and prediction algorithms are not available or were not evaluated, and the functional significance of this variant is currently unknown. In summary, the available evidence is currently insufficient to determine the role of this variant in disease. Therefore, it has been classified as a Variant of Uncertain Significance.

Eurofins Ntd Llc (ga)
Classification: Uncertain significance. Last evaluated: 2017-04-04. Review status: criteria provided, single submitter. Criteria: EGL Classification Definitions 2015. Collection method: clinical testing. Allele origin: germline. Observed: 1 variant allele, 1 heterozygote.

NM_201384.3(PLEC):c.4403G>A (p.Arg1468His)

Gene: PLEC (plectin; minus strand). Cytogenetic location: 8q24.3.
Variant type: single nucleotide variant.
Coding change: c.4403G>A on transcript NM_201384.3 (MANE Select); coding-DNA position 4403, G replaced by A.
Protein change: p.Arg1468His; replaces arginine 1468 with histidine.
Molecular consequence: missense variant.
Genome position (GRCh38, 1-based): chr8:143,925,526, C>T on the plus strand (G>A on the coding strand, the complement: PLEC is on the minus strand). VCF-style: chr8-143925526-C-T. GRCh37 (hg19) VCF-style: chr8-144999694-C-T.
Other names: c.4484G>A, p.Arg1495His (NM_000445.5); c.4361G>A, p.Arg1454His (NM_201378.4); c.4337G>A, p.Arg1446His (NM_201379.3); c.4814G>A, p.Arg1605His (NM_201380.4); c.4307G>A, p.Arg1436His (NM_201381.3); c.4403G>A, p.Arg1468His (NM_201382.4); c.4415G>A, p.Arg1472His (NM_201383.3); short protein forms R1436H, R1446H, R1454H, R1468H, R1472H, R1495H, R1605H.
Identifiers: ClinVar variation 501185 (VCV000501185.11), dbSNP rs782181237, ClinGen allele CA4926673.